The following is an entry in ClinVar:

NM_000891.3(KCNJ2):c.460T>G (p.Cys154Gly)

Gene: KCNJ2 (potassium inwardly rectifying channel subfamily J member 2; plus strand). Cytogenetic location: 17q24.3.
Variant type: single nucleotide variant.
Coding change: c.460T>G on transcript NM_000891.3 (MANE Select); coding-DNA position 460, T replaced by G.
Protein change: p.Cys154Gly; replaces cysteine 154 with glycine.
Molecular consequence: missense variant.
Genome position (GRCh38, 1-based): chr17:70,175,499, T>G. VCF-style: chr17-70175499-T-G. GRCh37 (hg19) VCF-style: chr17-68171640-T-G.
Other names: short protein forms C154G.
Identifiers: ClinVar variation 1395729 (VCV001395729.6), dbSNP rs2144376982, ClinGen allele CA400860646.
Genomic context (GRCh38, chr17:70,175,499, plus strand): 5'-CTCTTCTCCATTGAGACCCAGACAACCATAGGCTATGGTTTCAGATGTGTCACGGATGAA[T>G]GCCCAATTGCTGTTTTCATGGTGGTGTTCCAGTCAATCGTGGGCTGCATCATCGATGCTT-3'
Protein context (NP_000882.1, residues 144-164): GYGFRCVTDE[Cys154Gly]PIAVFMVVFQ

ClinVar aggregate classification (germline): Uncertain significance (1 of 4 stars; one submission).

Conditions:
Short QT syndrome type 3. Identifiers: Orphanet 51083, MedGen C1865018, MONDO:0012314, OMIM 609622.
Andersen Tawil syndrome (LQT7). Also called: ANDERSEN CARDIODYSRHYTHMIC PERIODIC PARALYSIS; Andersen Syndrome; PERIODIC PARALYSIS, POTASSIUM-SENSITIVE CARDIODYSRHYTHMIC TYPE; LONG QT SYNDROME 7; Potassium-sensitive periodic paralysis, ventricular ectopy, and dysmorphic features. Identifiers: Orphanet 37553, MedGen C1563715, MONDO:0008222, OMIM 170390.

Submission:

Labcorp Genetics (formerly Invitae), Labcorp
Classification: Uncertain significance for Short QT syndrome type 3; Andersen Tawil syndrome. Last evaluated: 2022-03-18. Review status: criteria provided, single submitter. Criteria: Invitae Variant Classification Sherloc (09022015). Collection method: clinical testing. Allele origin: germline.
Comment: This sequence change replaces cysteine, which is neutral and slightly polar, with glycine, which is neutral and non-polar, at codon 154 of the KCNJ2 protein (p.Cys154Gly). This variant is not present in population databases (gnomAD no frequency). This variant has not been reported in the literature in individuals affected with KCNJ2-related conditions. Algorithms developed to predict the effect of missense changes on protein structure and function (SIFT, PolyPhen-2, Align-GVGD) all suggest that this variant is likely to be disruptive. This variant disrupts the p.Cys154 amino acid residue in KCNJ2. Other variant(s) that disrupt this residue have been determined to be pathogenic (PMID: 19570891; Invitae). This suggests that this residue is clinically significant, and that variants that disrupt this residue are likely to be disease-causing. In summary, the available evidence is currently insufficient to determine the role of this variant in disease. Therefore, it has been classified as a Variant of Uncertain Significance.

Literature cited by the submitters: PubMed 19570891.